The following is an entry in ClinVar:

NM_198253.3(TERT):c.58G>C (p.Glu20Gln)

Genes: TERT (telomerase reverse transcriptase; minus strand), LOC110806263 (TERT 5' regulatory region; plus strand). Cytogenetic location: 5p15.33.
Variant type: single nucleotide variant.
Coding change: c.58G>C on transcript NM_198253.3 (MANE Select); coding-DNA position 58, G replaced by C.
Protein change: p.Glu20Gln; replaces glutamic acid 20 with glutamine.
Molecular consequence: missense variant. On other transcripts: non-coding transcript variant (2).
Genome position (GRCh38, 1-based): chr5:1,294,932, C>G on the plus strand (G>C on the coding strand, the complement: TERT is on the minus strand). VCF-style: chr5-1294932-C-G. GRCh37 (hg19) VCF-style: chr5-1295047-C-G.
Other names: c.58G>C, p.Glu20Gln (NM_001193376.3); short protein forms E20Q.
Identifiers: ClinVar variation 1060666 (VCV001060666.9), dbSNP rs2126692596, ClinGen allele CA359059647.
Genomic context (GRCh38, chr5:1,294,932, plus strand): 5'-GCACCAGCCGCCAGCCCTGGGGCCCCAGGCGCCGCACGAACGTGGCCAGCGGCAGCACCT[C>G]GCGGTAGTGGCTGCGCAGCAGGGAGCGCACGGCTCGGCAGCGGGGAGCGCGCGGCATCGC-3'
Protein context (NP_937983.2, residues 10-30): VRSLLRSHYR[Glu20Gln]VLPLATFVRR

ClinVar aggregate classification (germline): Uncertain significance (1 of 4 stars; one submission).

Conditions:
Dyskeratosis congenita, autosomal dominant 2. Identifiers: MedGen C3151443, MONDO:0013521, OMIM 613989.
Idiopathic Pulmonary Fibrosis. Also called: Idiopathic fibrosing alveolitis, chronic form; idiopathic fibrosing alveolitis. Identifiers: Orphanet 2032, MedGen C1800706, MeSH D054990, MONDO:0800504.

Submission:

Labcorp Genetics (formerly Invitae), Labcorp
Classification: Uncertain significance for Dyskeratosis congenita, autosomal dominant 2; Idiopathic Pulmonary Fibrosis. Last evaluated: 2020-10-20. Review status: criteria provided, single submitter. Criteria: Invitae Variant Classification Sherloc (09022015). Collection method: clinical testing. Allele origin: germline.
Comment: The frequency data for this variant in the population databases is considered unreliable, as metrics indicate insufficient coverage at this position in the ExAC database. In summary, the available evidence is currently insufficient to determine the role of this variant in disease. Therefore, it has been classified as a Variant of Uncertain Significance. Advanced modeling of protein sequence and biophysical properties (such as structural, functional, and spatial information, amino acid conservation, physicochemical variation, residue mobility, and thermodynamic stability) performed at Invitae indicates that this missense variant is not expected to disrupt TERT protein function. This variant has not been reported in the literature in individuals with TERT-related conditions. This sequence change replaces glutamic acid with glutamine at codon 20 of the TERT protein (p.Glu20Gln). The glutamic acid residue is weakly conserved and there is a small physicochemical difference between glutamic acid and glutamine.